The following is an entry in ClinVar:

ClinVar aggregate classification (germline): Uncertain significance. Review status: criteria provided, multiple submitters, no conflicts (2 of 4 stars). 2 submissions from 2 submitters: Uncertain significance (2). Last evaluated 2024-09-02.

Conditions:
Hypertrophic cardiomyopathy. Also called: HYPERTROPHIC MYOCARDIOPATHY. Identifiers: Orphanet 217569, MedGen C0007194, MeSH D002312, MONDO:0005045, HP:0001639.

Allele frequency attached by ClinVar (database versions not stated): gnomAD exomes below 0.00001.
gnomAD v4.1: 4 of 1,543,164 alleles (0.00026%); highest among the groups gnomAD compares: Non-Finnish European, 0.00035%; no homozygotes.

Submissions (2):

Blueprint Genetics
Classification: Uncertain significance. Last evaluated: 2024-09-02. Review status: criteria provided, single submitter. Criteria: ACMG Guidelines, 2015. Collection method: clinical testing. Allele origin: germline.

Labcorp Genetics (formerly Invitae), Labcorp
Classification: Uncertain significance for Hypertrophic cardiomyopathy. Last evaluated: 2022-08-22. Review status: criteria provided, single submitter. Criteria: Invitae Variant Classification Sherloc (09022015). Collection method: clinical testing. Allele origin: germline.
Comment: In summary, the available evidence is currently insufficient to determine the role of this variant in disease. Therefore, it has been classified as a Variant of Uncertain Significance. Algorithms developed to predict the effect of missense changes on protein structure and function (SIFT, PolyPhen-2, Align-GVGD) all suggest that this variant is likely to be tolerated. This sequence change replaces aspartic acid, which is acidic and polar, with alanine, which is neutral and non-polar, at codon 454 of the JPH2 protein (p.Asp454Ala). This variant is not present in population databases (gnomAD no frequency). This variant has not been reported in the literature in individuals affected with JPH2-related conditions.

NM_020433.5(JPH2):c.1361A>C (p.Asp454Ala)

Gene: JPH2 (junctophilin 2; minus strand). Cytogenetic location: 20q13.12.
Variant type: single nucleotide variant.
Coding change: c.1361A>C on transcript NM_020433.5 (MANE Select); coding-DNA position 1361, A replaced by C.
Protein change: p.Asp454Ala; replaces aspartic acid 454 with alanine.
Molecular consequence: missense variant.
Genome position (GRCh38, 1-based): chr20:44,116,314, T>G on the plus strand (A>C on the coding strand, the complement: JPH2 is on the minus strand). VCF-style: chr20-44116314-T-G. GRCh37 (hg19) VCF-style: chr20-42744954-T-G.
Other names: short protein forms D454A.
Identifiers: ClinVar variation 1938174 (VCV001938174.6), dbSNP rs2072192146, ClinGen allele CA409100785.